The following is an entry in ClinVar:

NM_000518.5(HBB):c.316-172T>C

Genes: HBB (hemoglobin subunit beta; minus strand), LOC107133510 (origin of replication at HBB; plus strand), LOC110006319 (beta-globin gene 3' regulatory region; plus strand). Cytogenetic location: 11p15.4.
Variant type: single nucleotide variant.
Coding change: c.316-172T>C on transcript NM_000518.5 (MANE Select); 172 bases into the intron before coding-DNA position 316, T replaced by C.
Molecular consequence: intron variant.
Genome position (GRCh38, 1-based): chr11:5,225,898, A>G on the plus strand (T>C on the coding strand, the complement: HBB is on the minus strand). VCF-style: chr11-5225898-A-G. GRCh37 (hg19) VCF-style: chr11-5247128-A-G.
Identifiers: ClinVar variation 1537687 (VCV001537687.9), dbSNP rs2133586686, ClinGen allele CA2573147109.

ClinVar aggregate classification (germline): Likely benign. Review status: criteria provided, multiple submitters, no conflicts (2 of 4 stars). 2 submissions from 2 submitters: Likely benign (2). Last evaluated 2024-04-26.

Submissions (2):

Women's Health and Genetics/Laboratory Corporation of America, LabCorp
Classification: Likely benign. Last evaluated: 2024-04-26. Review status: criteria provided, single submitter. Criteria: LabCorp Variant Classification Summary - May 2015. Collection method: clinical testing. Allele origin: germline.
Comment: Variant summary: HBB c.316-172T>C is located at a position not widely known to affect splicing. Consensus agreement among computation tools predict no significant impact on normal splicing. However, these predictions have yet to be confirmed by functional studies. The variant was absent in 31406 control chromosomes. The available data on variant occurrences in the general population are insufficient to allow any conclusion about variant significance. To our knowledge, no occurrence of c.316-172T>C in individuals affected with Hemoglobinopathy and no experimental evidence demonstrating its impact on protein function have been reported. ClinVar contains an entry for this variant (Variation ID: 1537687). Based on the evidence outlined above, the variant was classified as likely benign.

Labcorp Genetics (formerly Invitae), Labcorp
Classification: Likely benign. Last evaluated: 2021-02-27. Review status: criteria provided, single submitter. Criteria: Invitae Variant Classification Sherloc (09022015). Collection method: clinical testing. Allele origin: germline.